The following is an entry in ClinVar:

NM_001394063.1(CFAP20DC):c.1534G>A (p.Val512Met)

Genes: CFAP20DC (CFAP20 domain containing; minus strand), CFAP20DC-AS1 (CFAP20DC antisense RNA 1; plus strand). Cytogenetic location: 3p14.2.
Variant type: single nucleotide variant.
Coding change: c.1534G>A on transcript NM_001394063.1 (MANE Select); coding-DNA position 1534, G replaced by A.
Protein change: p.Val512Met; replaces valine 512 with methionine.
Molecular consequence: missense variant. On other transcripts: non-coding transcript variant (1).
Genome position (GRCh38, 1-based): chr3:58,863,617, C>T on the plus strand (G>A on the coding strand, the complement: CFAP20DC is on the minus strand). VCF-style: chr3-58863617-C-T. GRCh37 (hg19) VCF-style: chr3-58849343-C-T.
Other names: c.1369G>A, p.Val457Met (NM_001351530.2); c.919G>A, p.Val307Met (NM_001351531.2); c.604G>A, p.Val202Met (NM_001351532.2); c.1159G>A, p.Val387Met (NM_198463.4); short protein forms V202M, V307M, V387M, V457M, V512M.
Identifiers: ClinVar variation 981127 (VCV000981127.24), dbSNP rs34631714, ClinGen allele CA2473369.

ClinVar aggregate classification (germline): Likely benign (1 of 4 stars; one submission).

Allele frequency attached by ClinVar (database versions not stated): 1000 Genomes Project 0.00060; 1000 Genomes Project 30x 0.00062; ExAC 0.00146; ESP Exome Variant Server 0.00215; gnomAD 0.00228; TOPMed 0.00233; gnomAD exomes 0.00370.
gnomAD v4.1: 5,830 of 1,614,166 alleles (0.36%); highest among the groups gnomAD compares: Non-Finnish European, 0.45%; 19 homozygotes.

Submission:

CeGaT Center for Human Genetics Tuebingen
Classification: Likely benign. Last evaluated: 2022-12-01. Review status: criteria provided, single submitter. Criteria: CeGaT Center For Human Genetics Tuebingen Variant Classification Criteria Version 2. Collection method: clinical testing. Allele origin: germline. Affected: yes. Observed: 1 variant allele.
Comment: CFAP20DC: BP4, BS2